The following is an entry in ClinVar:

NM_004360.5(CDH1):c.2388G>T (p.Arg796=)

Gene: CDH1 (cadherin 1; plus strand). Cytogenetic location: 16q22.1.
Variant type: single nucleotide variant.
Coding change: c.2388G>T on transcript NM_004360.5 (MANE Select); coding-DNA position 2388, G replaced by T.
Protein change: p.Arg796=; no amino-acid change (arginine 796 retained).
Molecular consequence: synonymous variant.
Genome position (GRCh38, 1-based): chr16:68,829,746, G>T. VCF-style: chr16-68829746-G-T. GRCh37 (hg19) VCF-style: chr16-68863649-G-T.
Other names: c.2388G>T (LRG_301t1); c.423G>T, p.Arg141= (NM_001317186.2); c.2205G>T, p.Arg735= (NM_001317184.2); c.840G>T, p.Arg280= (NM_001317185.2).
Identifiers: ClinVar variation 483238 (VCV000483238.17), dbSNP rs1287819180, ClinGen allele CA496157475.
Genomic context (GRCh38, chr16:68,829,746, plus strand): 5'-GGACGCTCGGCCTGAAGTGACTCGTAACGACGTTGCACCAACCCTCATGAGTGTCCCCCG[G>T]TATCTTCCCCGCCCTGCCAATCCCGATGAAATTGGAAATTTTATTGATGAAGTAAGTAAT-3'
Protein context (NP_004351.1, residues 786-806): DVAPTLMSVP[Arg796=]YLPRPANPDE

ClinVar aggregate classification (germline): Benign/Likely benign. Review status: criteria provided, multiple submitters, no conflicts (2 of 4 stars). 4 submissions from 4 submitters: Benign (1); Likely benign (3). Last evaluated 2024-09-23.

Conditions:
Hereditary cancer-predisposing syndrome. Also called: Hereditary neoplastic syndrome; Neoplastic Syndromes, Hereditary; Tumor predisposition; Hereditary Cancer Syndrome. Identifiers: Orphanet 140162, MedGen C0027672, MeSH D009386, MONDO:0015356.
Hereditary diffuse gastric adenocarcinoma (HDGC). Also called: DIFFUSE GASTRIC AND LOBULAR BREAST CANCER SYNDROME. Identifiers: Orphanet 26106, MedGen C1708349, MONDO:0007648, OMIM 137215.

gnomAD v4.1: 2 of 1,614,004 alleles (0.00012%); highest among the groups gnomAD compares: Non-Finnish European, 0.00017%; no homozygotes.

Submissions (4):

Myriad Genetics, Inc.
Classification: Benign for Hereditary diffuse gastric adenocarcinoma. Last evaluated: 2024-09-23. Review status: criteria provided, single submitter. Criteria: Myriad Autosomal Dominant, Autosomal Recessive and X-Linked Classification Criteria (2023). Collection method: clinical testing. Allele origin: unknown.
Comment: This variant is considered benign. This variant is a silent/synonymous amino acid change and it is not expected to impact splicing.

Labcorp Genetics (formerly Invitae), Labcorp
Classification: Likely benign for Hereditary diffuse gastric adenocarcinoma. Last evaluated: 2024-06-10. Review status: criteria provided, single submitter. Criteria: Invitae Variant Classification Sherloc (09022015). Collection method: clinical testing. Allele origin: germline.

Color Diagnostics, LLC DBA Color Health
Classification: Likely benign for Hereditary cancer-predisposing syndrome. Last evaluated: 2021-03-12. Review status: criteria provided, single submitter. Criteria: ACMG Guidelines, 2015. Collection method: clinical testing. Allele origin: germline.

Ambry Genetics
Classification: Likely benign for Hereditary cancer-predisposing syndrome. Last evaluated: 2016-08-01. Review status: criteria provided, single submitter. Criteria: Ambry Variant Classification Scheme 2023. Collection method: clinical testing. Allele origin: germline.